The following is an entry in ClinVar:

ClinVar aggregate classification (germline): Likely benign. Review status: criteria provided, single submitter (1 of 4 stars). 2 submissions from 2 submitters: Likely benign (1). 1 of the submissions does not count toward it. Last evaluated 2024-10-24.

Conditions:
NRXN1-related disorder.

Allele frequency attached by ClinVar (database versions not stated): gnomAD exomes 0.00011; 1000 Genomes Project 0.00040; ExAC 0.00045; 1000 Genomes Project 30x 0.00078; gnomAD 0.00114; TOPMed 0.00124; ESP Exome Variant Server 0.00156.
gnomAD v4.1: 340 of 1,593,902 alleles (0.021%); highest among the groups gnomAD compares: African/African-American, 0.4%; 1 homozygote.

Submissions (2):

Blueprint Genetics
Classification: Likely benign. Last evaluated: 2024-10-24. Review status: criteria provided, single submitter. Criteria: ACMG Guidelines, 2015. Collection method: clinical testing. Allele origin: germline.

PreventionGenetics, part of Exact Sciences
Classification: Likely benign for NRXN1-related condition. Last evaluated: 2024-01-04. Review status: no assertion criteria provided. Collection method: clinical testing. Allele origin: germline. Not counted in ClinVar's aggregate classification.
Comment: This variant is classified as likely benign based on ACMG/AMP sequence variant interpretation guidelines (Richards et al. 2015 PMID: 25741868, with internal and published modifications).

NM_001330078.2(NRXN1):c.820+50G>A

Gene: NRXN1 (neurexin 1; minus strand). Cytogenetic location: 2p16.3.
Variant type: single nucleotide variant.
Coding change: c.820+50G>A on transcript NM_001330078.2 (MANE Select); 50 bases into the intron after coding-DNA position 820, G replaced by A.
Molecular consequence: intron variant. On other transcripts: synonymous variant (1).
Genome position (GRCh38, 1-based): chr2:50,922,608, C>T on the plus strand (G>A on the coding strand, the complement: NRXN1 is on the minus strand). VCF-style: chr2-50922608-C-T. GRCh37 (hg19) VCF-style: chr2-51149746-C-T.
Other names: c.852G>A, p.Leu284= (NM_001330089.2); c.772+104894G>A (NM_001330096.2, NM_001330087.2, NM_001330083.2 and 1 more transcripts); c.802+50G>A (NM_001330088.2); c.817+50G>A (NM_001330093.2, NM_001330079.2); c.820+50G>A (NM_001330094.2, NM_001330095.2, NM_001330082.2 and 6 more transcripts); c.919+50G>A (NM_001135659.3).
Identifiers: ClinVar variation 3051899 (VCV003051899.3), dbSNP rs199971485, ClinGen allele CA1655289.